The following is an entry in ClinVar:

NM_001035.3(RYR2):c.9021A>G (p.Leu3007=)

Gene: RYR2 (ryanodine receptor 2; plus strand). Cytogenetic location: 1q43.
Variant type: single nucleotide variant.
Coding change: c.9021A>G on transcript NM_001035.3 (MANE Select); coding-DNA position 9021, A replaced by G.
Protein change: p.Leu3007=; no amino-acid change (leucine 3007 retained).
Molecular consequence: synonymous variant.
Genome position (GRCh38, 1-based): chr1:237,687,458, A>G. VCF-style: chr1-237687458-A-G. GRCh37 (hg19) VCF-style: chr1-237850758-A-G.
Other names: c.9021A>G, p.Leu3007= (LRG_402t1).
Identifiers: ClinVar variation 532394 (VCV000532394.16), dbSNP rs748115355, ClinGen allele CA087816.

ClinVar aggregate classification (germline): Likely benign. Review status: criteria provided, multiple submitters, no conflicts (2 of 4 stars). 4 submissions from 4 submitters: Likely benign (4). Last evaluated 2025-06-08.

Conditions:
Catecholaminergic polymorphic ventricular tachycardia (CVPT). Also called: Catecholamine-induced polymorphic ventricular tachycardia. Identifiers: Orphanet 3286, MedGen C5574922, MONDO:0017990.
Cardiovascular phenotype. Identifiers: MedGen CN230736.
Cardiomyopathy (CMYO). Also called: Cardiomyopathies. Identifiers: Orphanet 167848, MedGen C0878544, MONDO:0004994, HP:0001638. Inheritance: Various modes of inheritance.
Catecholaminergic polymorphic ventricular tachycardia 1. Also called: VENTRICULAR TACHYCARDIA, CATECHOLAMINERGIC POLYMORPHIC, 1, WITH OR WITHOUT ATRIAL DYSFUNCTION AND/OR DILATED CARDIOMYOPATHY; RYR2-Related Catecholaminergic Polymorphic Ventricular Tachycardia; VENTRICULAR TACHYCARDIA, STRESS-INDUCED POLYMORPHIC 1. Identifiers: Orphanet 3286, MedGen C1631597, MONDO:0011484, OMIM 604772.

Allele frequency attached by ClinVar (database versions not stated): gnomAD exomes below 0.00001 and 0.00001; TOPMed below 0.00001; ExAC 0.00001; gnomAD 0.00001.
gnomAD v4.1: 5 of 1,577,314 alleles (0.00032%); highest among the groups gnomAD compares: South Asian, 0.0011%; no homozygotes.

Submissions (4):

Labcorp Genetics (formerly Invitae), Labcorp
Classification: Likely benign for Catecholaminergic polymorphic ventricular tachycardia 1. Last evaluated: 2025-06-08. Review status: criteria provided, single submitter. Criteria: Invitae Variant Classification Sherloc (09022015). Collection method: clinical testing. Allele origin: germline.

Ambry Genetics
Classification: Likely benign for Cardiovascular phenotype. Last evaluated: 2025-01-16. Review status: criteria provided, single submitter. Criteria: Ambry Variant Classification Scheme 2023. Collection method: clinical testing. Allele origin: germline.

All of Us Research Program, National Institutes of Health
Classification: Likely benign for Catecholaminergic polymorphic ventricular tachycardia. Last evaluated: 2023-04-03. Review status: criteria provided, single submitter. Criteria: ACMG Guidelines, 2015. Collection method: clinical testing. Allele origin: germline. Inheritance: Autosomal dominant inheritance. Observed: 2 variant alleles, 2 heterozygotes.
Comment: This study involves interpretation of variants in research participants for the purpose of population health screening. Participant phenotype was not available at the time of variant classification. Additional details can be found in publication PMID: 35346344, PMCID: PMC8962531

Color Diagnostics, LLC DBA Color Health
Classification: Likely benign for Cardiomyopathy. Last evaluated: 2019-06-13. Review status: criteria provided, single submitter. Criteria: ACMG Guidelines, 2015. Collection method: clinical testing. Allele origin: germline.